The following is an entry in ClinVar:

ClinVar aggregate classification (germline): Uncertain significance. Review status: criteria provided, multiple submitters, no conflicts (2 of 4 stars). 3 submissions from 3 submitters: Uncertain significance (3). Last evaluated 2026-02-15.

gnomAD v4.1: 27 of 1,613,834 alleles (0.0017%); highest among the groups gnomAD compares: South Asian, 0.0022%; no homozygotes.

Submissions (3):

GeneDx
Classification: Uncertain significance. Last evaluated: 2026-02-15. Review status: criteria provided, single submitter. Criteria: GeneDx Variant Classification Process June 2021. Collection method: clinical testing. Allele origin: germline.
Comment: In silico analysis supports that this missense variant has a deleterious effect on protein structure/function; Has not been previously published as pathogenic or benign in association with a PNPLA1-realted phenotype to our knowledge; This variant is associated with the following publications: (PMID: 29177435)

Labcorp Genetics (formerly Invitae), Labcorp
Classification: Uncertain significance. Last evaluated: 2025-01-20. Review status: criteria provided, single submitter. Criteria: Invitae Variant Classification Sherloc (09022015). Collection method: clinical testing. Allele origin: germline.
Comment: This sequence change replaces arginine, which is basic and polar, with histidine, which is basic and polar, at codon 166 of the PNPLA1 protein (p.Arg166His). This variant is present in population databases (rs376317666, gnomAD 0.007%). This variant has not been reported in the literature in individuals affected with PNPLA1-related conditions. An algorithm developed to predict the effect of missense changes on protein structure and function (PolyPhen-2) suggests that this variant is likely to be disruptive. In summary, the available evidence is currently insufficient to determine the role of this variant in disease. Therefore, it has been classified as a Variant of Uncertain Significance.

Blueprint Genetics
Classification: Uncertain significance. Last evaluated: 2023-04-04. Review status: criteria provided, single submitter. Criteria: ACMG Guidelines, 2015. Collection method: clinical testing. Allele origin: germline.

NM_001374623.1(PNPLA1):c.497G>A (p.Arg166His)

Gene: PNPLA1 (patatin like domain 1, omega-hydroxyceramide transacylase; plus strand). Cytogenetic location: 6p21.31.
Variant type: single nucleotide variant.
Coding change: c.497G>A on transcript NM_001374623.1 (MANE Select); coding-DNA position 497, G replaced by A.
Protein change: p.Arg166His; replaces arginine 166 with histidine.
Molecular consequence: missense variant.
Genome position (GRCh38, 1-based): chr6:36,293,119, G>A. VCF-style: chr6-36293119-G-A. GRCh37 (hg19) VCF-style: chr6-36260896-G-A.
Other names: c.212G>A, p.Arg71His (NM_001145716.2, NM_173676.2); c.497G>A, p.Arg166His (NM_001145717.1); short protein forms R71H, R166H.
Identifiers: ClinVar variation 3637723 (VCV003637723.3).
Genomic context (GRCh38, chr6:36,293,119, plus strand): 5'-AGGCCCTATACTGCAGCTGCTTCGTCCCGGTGTACTGTGGCCTCATCCCCCCGACTTACC[G>A]CGGTGTGGTGAGTGCTTCGGCATGGTGAGGGGTGAGATGGGATCCAAGGGACCTCGGGTC-3'
Protein context (NP_001361552.1, residues 156-176): VYCGLIPPTY[Arg166His]GVRYIDGGFT